The following is an entry in ClinVar:

ClinVar aggregate classification (germline): Conflicting classifications of pathogenicity. Review status: criteria provided, conflicting classifications (1 of 4 stars). 6 submissions from 6 submitters: Uncertain significance (4); Likely benign (1). 1 of the submissions does not count toward it. Last evaluated 2026-01-28.

Conditions:
Inborn genetic diseases. Identifiers: MedGen C0950123, MeSH D030342.
Nemaline myopathy 2 (NEM2). Also called: Nemaline myopathy 2, autosomal recessive. Identifiers: MedGen C1850569, MONDO:0009725, OMIM 256030.

Allele frequency attached by ClinVar (database versions not stated): gnomAD exomes 0.00002; TOPMed 0.00003; ExAC 0.00001; gnomAD 0.00002.
gnomAD v4.1: 46 of 1,613,722 alleles (0.0029%); highest among the groups gnomAD compares: East Asian, 0.0089%; 1 homozygote.

Submissions (6):

Labcorp Genetics (formerly Invitae), Labcorp
Classification: Likely benign for Nemaline myopathy 2. Last evaluated: 2026-01-28. Review status: criteria provided, single submitter. Criteria: Invitae Variant Classification Sherloc (09022015). Collection method: clinical testing. Allele origin: germline.

Ambry Genetics
Classification: Uncertain significance for Inborn genetic diseases. Last evaluated: 2025-12-29. Review status: criteria provided, single submitter. Criteria: Ambry Variant Classification Scheme 2023. Collection method: clinical testing. Allele origin: germline.

GeneDx
Classification: Uncertain significance. Last evaluated: 2025-01-29. Review status: criteria provided, single submitter. Criteria: GeneDx Variant Classification Process June 2021. Collection method: clinical testing. Allele origin: germline.
Comment: In silico analysis supports that this missense variant has a deleterious effect on protein structure/function; Has not been previously published as pathogenic or benign to our knowledge

Revvity Omics, Revvity
Classification: Uncertain significance. Last evaluated: 2020-03-26. Review status: criteria provided, single submitter. Criteria: ACMG Guidelines, 2015. Collection method: clinical testing. Allele origin: germline.

Eurofins Ntd Llc (ga)
Classification: Uncertain significance. Last evaluated: 2015-02-27. Review status: criteria provided, single submitter. Criteria: EGL Classification Definitions 2015. Collection method: clinical testing. Allele origin: germline. Observed: 1 variant allele, 1 heterozygote.

Natera, Inc.
Classification: Uncertain significance for Nemaline myopathy type 2. Last evaluated: 2020-08-31. Review status: no assertion criteria provided. Collection method: clinical testing. Allele origin: germline. Not counted in ClinVar's aggregate classification.

NM_001164508.2(NEB):c.19544G>A (p.Arg6515His)

Genes: NEB (nebulin; minus strand), LOC126806373 (BRD4-independent group 4 enhancer GRCh37_chr2:152410007-152411206; plus strand). Cytogenetic location: 2q23.3.
Variant type: single nucleotide variant.
Coding change: c.19544G>A on transcript NM_001164508.2 (MANE Select); coding-DNA position 19544, G replaced by A.
Protein change: p.Arg6515His; replaces arginine 6515 with histidine.
Molecular consequence: missense variant.
Genome position (GRCh38, 1-based): chr2:151,553,910, C>T on the plus strand (G>A on the coding strand, the complement: NEB is on the minus strand). VCF-style: chr2-151553910-C-T. GRCh37 (hg19) VCF-style: chr2-152410424-C-T.
Other names: c.19544G>A, p.Arg6515His (NM_001164507.2, NM_001271208.2); c.14441G>A, p.Arg4814His (NM_004543.5); c.14441G>A (NM_004543.4); short protein forms R6515H, R4814H.
Identifiers: ClinVar variation 199250 (VCV000199250.20), dbSNP rs757278862, ClinGen allele CA248354.